The following is an entry in ClinVar:

NM_001385012.1(NBEA):c.3327C>G (p.Asn1109Lys)

Gene: NBEA (neurobeachin; plus strand). Cytogenetic location: 13q13.3.
Variant type: single nucleotide variant.
Coding change: c.3327C>G on transcript NM_001385012.1 (MANE Select); coding-DNA position 3327, C replaced by G.
Protein change: p.Asn1109Lys; replaces asparagine 1109 with lysine.
Molecular consequence: missense variant.
Genome position (GRCh38, 1-based): chr13:35,159,498, C>G. VCF-style: chr13-35159498-C-G. GRCh37 (hg19) VCF-style: chr13-35733635-C-G.
Other names: c.3327C>G, p.Asn1109Lys (NM_001379245.1, NM_015678.5); short protein forms N1109K.
Identifiers: ClinVar variation 1675523 (VCV001675523.33), dbSNP rs2152710942, ClinGen allele CA387837530.
Genomic context (GRCh38, chr13:35,159,498, plus strand): 5'-TGTGGAGGTTGAATCTCTGTTGGATAATGTATATAGTGCTGCTGTTGAGAAACTCCAGAA[C>G]AATGTACATGGAAGTGTTGGTATCATTAAAAAAAATGAAGAAAAGGATAATGGTCCATTG-3'
Protein context (NP_001371941.1, residues 1099-1119): VYSAAVEKLQ[Asn1109Lys]NVHGSVGIIK

ClinVar aggregate classification (germline): Uncertain significance (1 of 4 stars; one submission).

Submission:

CeGaT Center for Human Genetics Tuebingen
Classification: Uncertain significance. Last evaluated: 2023-12-01. Review status: criteria provided, single submitter. Criteria: CeGaT Center For Human Genetics Tuebingen Variant Classification Criteria Version 2. Collection method: clinical testing. Allele origin: germline. Affected: yes. Observed: 3 variant alleles.
Comment: NBEA: PM2